The following is an entry in ClinVar:

NM_152564.5(VPS13B):c.9862C>A (p.Leu3288Ile)

Gene: VPS13B (vacuolar protein sorting 13 homolog B; plus strand). Cytogenetic location: 8q22.2.
Variant type: single nucleotide variant.
Coding change: c.9862C>A on transcript NM_152564.5 (MANE Select); coding-DNA position 9862, C replaced by A.
Protein change: p.Leu3288Ile; replaces leucine 3288 with isoleucine.
Molecular consequence: missense variant.
Genome position (GRCh38, 1-based): chr8:99,835,658, C>A. VCF-style: chr8-99835658-C-A. GRCh37 (hg19) VCF-style: chr8-100847886-C-A.
Other names: c.9937C>A, p.Leu3313Ile (NM_017890.5); short protein forms L3313I, L3288I.
Identifiers: ClinVar variation 4994636 (VCV004994636.1).

ClinVar aggregate classification (germline): Uncertain significance (1 of 4 stars; one submission).

Conditions:
VPS13B-related disorder. Also called: VPS13B-related condition.

gnomAD v4.1: 1 of 1,614,026 alleles (0.000062%); no homozygotes.

Submission:

PreventionGenetics, part of Exact Sciences
Classification: Uncertain significance for VPS13B-related condition. Last evaluated: 2026-05-22. Review status: criteria provided, single submitter. Criteria: ACMG Guidelines, 2015. Collection method: clinical testing. Allele origin: germline.
Comment: The VPS13B c.9862C>A variant is predicted to result in the amino acid substitution p.Leu3288Ile. To our knowledge, this variant has not been reported in the literature or in a large population database (gnomAD), indicating this variant is rare. At this time, the clinical significance of this variant is uncertain due to the absence of conclusive functional and genetic evidence.